The following is an entry in ClinVar:

ClinVar aggregate classification (germline): Uncertain significance. Review status: criteria provided, multiple submitters, no conflicts (2 of 4 stars). 2 submissions from 2 submitters: Uncertain significance (2). Last evaluated 2025-12-23.

Conditions:
Inborn genetic diseases. Identifiers: MedGen C0950123, MeSH D030342.

Allele frequency attached by ClinVar (database versions not stated): ExAC 0.00002; gnomAD exomes below 0.00001; TOPMed 0.00002.
gnomAD v4.1: 3 of 1,612,848 alleles (0.00019%); highest among the groups gnomAD compares: Admixed American, 0.0033%; no homozygotes.

Submissions (2):

Labcorp Genetics (formerly Invitae), Labcorp
Classification: Uncertain significance. Last evaluated: 2025-12-23. Review status: criteria provided, single submitter. Criteria: Invitae Variant Classification Sherloc (09022015). Collection method: clinical testing. Allele origin: germline.
Comment: This sequence change replaces serine, which is neutral and polar, with arginine, which is basic and polar, at codon 578 of the MBD4 protein (p.Ser578Arg). This variant is present in population databases (rs766926424, gnomAD 0.006%). This variant has not been reported in the literature in individuals affected with MBD4-related conditions. ClinVar contains an entry for this variant (Variation ID: 2878139). An algorithm developed to predict the effect of missense changes on protein structure and function (PolyPhen-2) suggests that this variant is likely to be disruptive. In summary, the available evidence is currently insufficient to determine the role of this variant in disease. Therefore, it has been classified as a Variant of Uncertain Significance.

Ambry Genetics
Classification: Uncertain significance for Inborn genetic diseases. Last evaluated: 2025-10-25. Review status: criteria provided, single submitter. Criteria: Ambry Variant Classification Scheme 2023. Collection method: clinical testing. Allele origin: germline.
Comment: The p.S572R variant (also known as c.1716T>G), located in coding exon 8 of the MBD4 gene, results from a T to G substitution at nucleotide position 1716. The serine at codon 572 is replaced by arginine, an amino acid with dissimilar properties. This amino acid position is conserved. In addition, the in silico prediction for this alteration is inconclusive. Based on the available evidence, the clinical significance of this variant remains unclear.

NM_001276270.2(MBD4):c.1716T>G (p.Ser572Arg)

Gene: MBD4 (methyl-CpG binding domain 4, DNA glycosylase; minus strand). Cytogenetic location: 3q21.3.
Variant type: single nucleotide variant.
Coding change: c.1716T>G on transcript NM_001276270.2 (MANE Select); coding-DNA position 1716, T replaced by G.
Protein change: p.Ser572Arg; replaces serine 572 with arginine.
Molecular consequence: missense variant. On other transcripts: 3 prime UTR variant (1).
Genome position (GRCh38, 1-based): chr3:129,431,510, A>C on the plus strand (T>G on the coding strand, the complement: MBD4 is on the minus strand). VCF-style: chr3-129431510-A-C. GRCh37 (hg19) VCF-style: chr3-129150353-A-C.
Other names: c.*58T>G (NM_001276272.2); c.780T>G, p.Ser260Arg (NM_001276273.2); c.1734T>G, p.Ser578Arg (NM_003925.3); short protein forms S572R, S578R, S260R.
Identifiers: ClinVar variation 2878139 (VCV002878139.4), dbSNP rs766926424, ClinGen allele CA2605209.